The following is an entry in ClinVar:

ClinVar aggregate classification (germline): Uncertain significance (1 of 4 stars; one submission).

Conditions:
Inborn genetic diseases. Identifiers: MedGen C0950123, MeSH D030342.

Submission:

Ambry Genetics
Classification: Uncertain significance for Inborn genetic diseases. Last evaluated: 2026-09-06. Review status: criteria provided, single submitter. Criteria: Ambry Variant Classification Scheme 2023. Collection method: clinical testing. Allele origin: germline.
Comment: The p.R593S variant (also known as c.1779G>T), located in coding exon 20 of the RTEL1 gene, results from a G to T substitution at nucleotide position 1779. The arginine at codon 593 is replaced by serine, an amino acid with dissimilar properties. This amino acid position is conserved. In addition, the in silico prediction for this alteration is inconclusive. Based on the available evidence, the clinical significance of this variant remains unclear.

NM_001283009.2(RTEL1):c.1779G>T (p.Arg593Ser)

Genes: RTEL1 (regulator of telomere elongation helicase 1; plus strand), RTEL1-TNFRSF6B (RTEL1-TNFRSF6B readthrough (NMD candidate); plus strand). Cytogenetic location: 20q13.33.
Variant type: single nucleotide variant.
Coding change: c.1779G>T on transcript NM_001283009.2 (MANE Select); coding-DNA position 1779, G replaced by T.
Protein change: p.Arg593Ser; replaces arginine 593 with serine.
Molecular consequence: missense variant. On other transcripts: non-coding transcript variant (1).
Genome position (GRCh38, 1-based): chr20:63,688,584, G>T. VCF-style: chr20-63688584-G-T. GRCh37 (hg19) VCF-style: chr20-62319937-G-T.
Other names: c.1110G>T, p.Arg370Ser (NM_001283010.1); c.1779G>T, p.Arg593Ser (NM_016434.4); c.1851G>T, p.Arg617Ser (NM_032957.5); short protein forms R370S, R593S, R617S.
Identifiers: ClinVar variation 5028538 (VCV005028538.1).
Genomic context (GRCh38, chr20:63,688,584, plus strand): 5'-ACAGGCCCGCGACTTGGCCAGGAAGATGGAGGCGCTGAAGCCGCTGTTTGTGGAGCCCAG[G>T]AGCAAAGGCAGCTTCTCCGAGGTCGGCACTTGGCCGGGGCTCTGGGCCTGCTGCCCCCTC-3'
Protein context (NP_001269938.1, residues 583-603): EALKPLFVEP[Arg593Ser]SKGSFSETIS